The following is an entry in ClinVar:

ClinVar aggregate classification (germline): Uncertain significance (1 of 4 stars; one submission).

Conditions:
Congenital contractural arachnodactyly (CCA). Also called: Beals-Hecht syndrome; Arthrogryposis, distal, type 9; BEALS SYNDROME. Identifiers: Orphanet 115, MedGen C0220668, MONDO:0007363, OMIM 121050.

Submission:

Labcorp Genetics (formerly Invitae), Labcorp
Classification: Uncertain significance for Congenital contractural arachnodactyly. Last evaluated: 2023-06-30. Review status: criteria provided, single submitter. Criteria: Invitae Variant Classification Sherloc (09022015). Collection method: clinical testing. Allele origin: germline.
Comment: This sequence change replaces threonine, which is neutral and polar, with alanine, which is neutral and non-polar, at codon 331 of the FBN2 protein (p.Thr331Ala). This variant is not present in population databases (gnomAD no frequency). This variant has not been reported in the literature in individuals affected with FBN2-related conditions. Advanced modeling of protein sequence and biophysical properties (such as structural, functional, and spatial information, amino acid conservation, physicochemical variation, residue mobility, and thermodynamic stability) performed at Invitae indicates that this missense variant is not expected to disrupt FBN2 protein function. In summary, the available evidence is currently insufficient to determine the role of this variant in disease. Therefore, it has been classified as a Variant of Uncertain Significance.

NM_001999.4(FBN2):c.991A>G (p.Thr331Ala)

Gene: FBN2 (fibrillin 2; minus strand). Cytogenetic location: 5q23.3.
Variant type: single nucleotide variant.
Coding change: c.991A>G on transcript NM_001999.4 (MANE Select); coding-DNA position 991, A replaced by G.
Protein change: p.Thr331Ala; replaces threonine 331 with alanine.
Molecular consequence: missense variant.
Genome position (GRCh38, 1-based): chr5:128,408,761, T>C on the plus strand (A>G on the coding strand, the complement: FBN2 is on the minus strand). VCF-style: chr5-128408761-T-C. GRCh37 (hg19) VCF-style: chr5-127744454-T-C.
Other names: short protein forms T331A.
Identifiers: ClinVar variation 2733681 (VCV002733681.3), dbSNP rs2479482509, ClinGen allele CA360753546.